The following is an entry in ClinVar:

NM_000051.4(ATM):c.4420C>T (p.His1474Tyr)

Gene: ATM (ATM serine/threonine kinase; plus strand). Cytogenetic location: 11q22.3.
Variant type: single nucleotide variant.
Coding change: c.4420C>T on transcript NM_000051.4 (MANE Select); coding-DNA position 4420, C replaced by T.
Protein change: p.His1474Tyr; replaces histidine 1474 with tyrosine.
Molecular consequence: missense variant.
Genome position (GRCh38, 1-based): chr11:108,289,785, C>T. VCF-style: chr11-108289785-C-T. GRCh37 (hg19) VCF-style: chr11-108160512-C-T.
Other names: c.4420C>T, p.His1474Tyr (NM_001351834.2); short protein forms H1474Y.
Identifiers: ClinVar variation 4170441 (VCV004170441.1).

ClinVar aggregate classification (germline): Uncertain significance (1 of 4 stars; one submission).

Conditions:
Hereditary cancer-predisposing syndrome. Also called: Neoplastic Syndromes, Hereditary; Tumor predisposition; Hereditary Cancer Syndrome; Hereditary neoplastic syndrome. Identifiers: Orphanet 140162, MedGen C0027672, MeSH D009386, MONDO:0015356.

Submission:

Ambry Genetics
Classification: Uncertain significance for Hereditary cancer-predisposing syndrome. Last evaluated: 2025-09-04. Review status: criteria provided, single submitter. Criteria: Ambry Variant Classification Scheme 2023. Collection method: clinical testing. Allele origin: germline.
Comment: The p.H1474Y variant (also known as c.4420C>T), located in coding exon 28 of the ATM gene, results from a C to T substitution at nucleotide position 4420. The histidine at codon 1474 is replaced by tyrosine, an amino acid with similar properties. This amino acid position is conserved. In addition, this alteration is predicted to be deleterious by in silico analysis. Based on the available evidence, the clinical significance of this variant remains unclear.